The following is an entry in ClinVar:

ClinVar aggregate classification (germline): Uncertain significance. Review status: criteria provided, multiple submitters, no conflicts (2 of 4 stars). 2 submissions from 2 submitters: Uncertain significance (2). Last evaluated 2025-04-01.

Conditions:
Loeys-Dietz syndrome 2 (LDS2). Also called: Marfan syndrome, type 2 (formerly); TGFBR2-Related Loeys-Dietz Syndrome; AORTIC ANEURYSM, FAMILIAL THORACIC 3; MARFAN SYNDROME, TYPE II; Marfan Syndrome type 2; Marfan like connective tissue disorder. Identifiers: Orphanet 284973, Orphanet 558, MedGen C2674574, MONDO:0012427, OMIM 610168.

gnomAD v4.1: 8 of 1,604,412 alleles (0.0005%); highest among the groups gnomAD compares: South Asian, 0.0056%; no homozygotes.

Submissions (2):

GeneDx
Classification: Uncertain significance. Last evaluated: 2025-04-01. Review status: criteria provided, single submitter. Criteria: GeneDx Variant Classification Process June 2021. Collection method: clinical testing. Allele origin: germline. Affected: yes.
Comment: Not observed at significant frequency in large population cohorts (gnomAD); In silico analysis supports that this missense variant has a deleterious effect on protein structure/function; Has not been previously published as pathogenic or benign to our knowledge

All of Us Research Program, National Institutes of Health
Classification: Uncertain significance for Loeys-Dietz syndrome 2. Last evaluated: 2024-02-05. Review status: criteria provided, single submitter. Criteria: ACMG Guidelines, 2015. Collection method: clinical testing. Allele origin: germline. Inheritance: Autosomal dominant inheritance. Observed: 1 variant allele, 1 heterozygote.
Comment: This missense variant replaces aspartic acid with glutamic acid at codon 364 of the TGFBR2 protein. Computational prediction suggests that this variant may not impact protein structure and function (internally defined REVEL score threshold <= 0.5, PMID: 27666373). To our knowledge, functional studies have not been reported for this variant. This variant has not been reported in individuals affected with TGFBR2-related disorders in the literature. This variant has been identified in 2/243650 chromosomes in the general population by the Genome Aggregation Database (gnomAD). The available evidence is insufficient to determine the role of this variant in disease conclusively. Therefore, this variant is classified as a Variant of Uncertain Significance.

This study involves interpretation of variants in research participants for the purpose of population health screening. Participant phenotype was not available at the time of variant classification. Additional details can be found in publication PMID: 35346344, PMCID: PMC8962531

NM_003242.6(TGFBR2):c.1092T>A (p.Asp364Glu)

Gene: TGFBR2 (transforming growth factor beta receptor 2; plus strand). Cytogenetic location: 3p24.1.
Variant type: single nucleotide variant.
Coding change: c.1092T>A on transcript NM_003242.6 (MANE Select); coding-DNA position 1092, T replaced by A.
Protein change: p.Asp364Glu; replaces aspartic acid 364 with glutamic acid.
Molecular consequence: missense variant. On other transcripts: intron variant (1).
Genome position (GRCh38, 1-based): chr3:30,672,275, T>A. VCF-style: chr3-30672275-T-A. GRCh37 (hg19) VCF-style: chr3-30713767-T-A.
Other names: c.987T>A, p.Asp329Glu (NM_001407132.1, NM_001407133.1, NM_001407134.1 and 2 more transcripts); c.807T>A, p.Asp269Glu (NM_001407137.1); c.732T>A, p.Asp244Glu (NM_001407138.1); c.530-16112T>A (NM_001407139.1); c.1167T>A, p.Asp389Glu (NM_001024847.3); c.1275T>A, p.Asp425Glu (NM_001407126.1); c.1200T>A, p.Asp400Glu (NM_001407127.1); c.1119T>A, p.Asp373Glu (NM_001407128.1); and 3 more; short protein forms D244E, D269E, D329E, D364E, D365E, D373E, D389E, D400E.
Identifiers: ClinVar variation 3075490 (VCV003075490.2), dbSNP rs149195553, ClinGen allele CA351808519.